The following is an entry in ClinVar:

NM_014874.4(MFN2):c.821_826del (p.Arg274_Arg275del)

Gene: MFN2 (mitofusin 2; plus strand). Cytogenetic location: 1p36.22.
Variant type: Deletion.
Coding change: c.821_826del on transcript NM_014874.4 (MANE Select); coding-DNA positions 821 to 826, 6 bases deleted (GGCGGC; older notation c.821_826delGGCGGC).
Protein change: p.Arg274_Arg275del.
Genome position (GRCh38, 1-based): chr1:12,001,405-12,001,410, GGCGGC deleted; deleting any 6 consecutive bases within chr1:12,001,403-12,001,410 gives the same sequence; the c. name uses the placement nearest the transcript's 3' end. VCF-style (leftmost placement, unchanged base first): chr1-12001402-TGCGGCG-T. GRCh37 (hg19) VCF-style: chr1-12061459-TGCGGCG-T.
Other names: c.821_826del, p.Arg274_Arg275del (NM_001127660.2).
Identifiers: ClinVar variation 3662535 (VCV003662535.2).

ClinVar aggregate classification (germline): Pathogenic (1 of 4 stars; one submission).

Conditions:
Charcot-Marie-Tooth disease type 2. Also called: Charcot-Marie-Tooth type 2. Identifiers: Orphanet 64746, MedGen C0270914, MONDO:0018993.

Submission:

Labcorp Genetics (formerly Invitae), Labcorp
Classification: Pathogenic for Charcot-Marie-Tooth disease type 2. Last evaluated: 2024-08-15. Review status: criteria provided, single submitter. Criteria: Invitae Variant Classification Sherloc (09022015). Collection method: clinical testing. Allele origin: germline.
Comment: This variant, c.821_826del, results in the deletion of 2 amino acid(s) of the MFN2 protein (p.Arg274_Arg275del), but otherwise preserves the integrity of the reading frame. This variant is not present in population databases (gnomAD no frequency). This variant has not been reported in the literature in individuals affected with MFN2-related conditions. This variant disrupts a region of the MFN2 protein in which other variant(s) (p.Arg274Trp) have been determined to be pathogenic (PMID: 26581383). This suggests that this is a clinically significant region of the protein, and that variants that disrupt it are likely to be disease-causing. For these reasons, this variant has been classified as Pathogenic.

Literature cited by the submitters: PubMed 26581383.